The following is an entry in ClinVar:

ClinVar aggregate classification (germline): Benign. Review status: criteria provided, multiple submitters, no conflicts (2 of 4 stars). 2 submissions from 2 submitters: Benign (2). Last evaluated 2018-06-14.

Allele frequency attached by ClinVar (database versions not stated): ESP Exome Variant Server 0.31179; gnomAD 0.33378; TOPMed 0.36645; 1000 Genomes Project 30x 0.47049; 1000 Genomes Project 0.47125.
gnomAD v4.1: 295,679 of 1,101,444 alleles (27%); highest among the groups gnomAD compares: East Asian, 57%; 47,977 homozygotes.

Submissions (2):

GeneDx
Classification: Benign. Last evaluated: 2018-06-14. Review status: criteria provided, single submitter. Criteria: GeneDx Variant Classification (06012015). Collection method: clinical testing. Allele origin: germline. Affected: yes.
Comment: This variant is considered likely benign or benign based on one or more of the following criteria: it is a conservative change, it occurs at a poorly conserved position in the protein, it is predicted to be benign by multiple in silico algorithms, and/or has population frequency not consistent with disease.

Breakthrough Genomics
Classification: Benign. Review status: criteria provided, single submitter. Criteria: ACMG Guidelines, 2015. Collection method: not provided. Allele origin: germline. Inheritance: Autosomal recessive inheritance. Affected: yes.

NM_001267550.2(TTN):c.34538-63G>T

Gene: TTN (titin; minus strand). Cytogenetic location: 2q31.2.
Variant type: single nucleotide variant.
Coding change: c.34538-63G>T on transcript NM_001267550.2 (MANE Select); 63 bases into the intron before coding-DNA position 34538, G replaced by T.
Molecular consequence: intron variant.
Genome position (GRCh38, 1-based): chr2:178,675,176, C>A on the plus strand (G>T on the coding strand, the complement: TTN is on the minus strand). VCF-style: chr2-178675176-C-A. GRCh37 (hg19) VCF-style: chr2-179539903-C-A.
Other names: c.13283-32859G>T (NM_003319.4); c.13859-32859G>T (NM_133437.4); c.13658-32859G>T (NM_133432.3); c.30635-63G>T (NM_133378.4); c.33416-63G>T (NM_001256850.1).
Identifiers: ClinVar variation 672611 (VCV000672611.2), dbSNP rs2472751, ClinGen allele CA11167859.